The following is an entry in ClinVar:

NM_003072.5(SMARCA4):c.4725T>A (p.Ser1575Arg)

Gene: SMARCA4 (SWI/SNF related BAF chromatin remodeling complex subunit ATPase 4; plus strand). Cytogenetic location: 19p13.2.
Variant type: single nucleotide variant.
Coding change: c.4725T>A on transcript NM_003072.5 (MANE Select); coding-DNA position 4725, T replaced by A.
Protein change: p.Ser1575Arg; replaces serine 1575 with arginine.
Molecular consequence: missense variant. On other transcripts: non-coding transcript variant (1).
Genome position (GRCh38, 1-based): chr19:11,059,842, T>A. VCF-style: chr19-11059842-T-A. GRCh37 (hg19) VCF-style: chr19-11170518-T-A.
Other names: c.4821T>A (NM_001128849.1); c.4725T>A, p.Ser1575Arg (NM_001128844.3); c.4635T>A, p.Ser1545Arg (NM_001128845.2); c.4632T>A, p.Ser1544Arg (NM_001128846.2); c.4626T>A, p.Ser1542Arg (NM_001128847.4, NM_001374457.1); c.4623T>A, p.Ser1541Arg (NM_001128848.2); c.4821T>A, p.Ser1607Arg (NM_001128849.3, NM_001387283.1); c.4722T>A, p.Ser1574Arg (NM_001411150.1); short protein forms S1541R, S1542R, S1544R, S1545R, S1574R, S1575R, S1607R.
Identifiers: ClinVar variation 1721941 (VCV001721941.7), dbSNP rs1555795982, ClinGen allele CA404079602.

ClinVar aggregate classification (germline): Uncertain significance. Review status: criteria provided, multiple submitters, no conflicts (2 of 4 stars). 2 submissions from 2 submitters: Uncertain significance (2). Last evaluated 2022-11-28.

Conditions:
Hereditary cancer-predisposing syndrome. Also called: Neoplastic Syndromes, Hereditary; Tumor predisposition; Hereditary neoplastic syndrome; Hereditary Cancer Syndrome. Identifiers: Orphanet 140162, MedGen C0027672, MeSH D009386, MONDO:0015356.
Rhabdoid tumor predisposition syndrome 2 (RTPS2). Identifiers: Orphanet 231108, Orphanet 69077, MedGen C2750074, MONDO:0013224, OMIM 613325.

Allele frequency attached by ClinVar (database versions not stated): gnomAD exomes below 0.00001.
gnomAD v4.1: 2 of 1,612,104 alleles (0.00012%); highest among the groups gnomAD compares: Non-Finnish European, 0.00017%; no homozygotes.

Submissions (2):

Ambry Genetics
Classification: Uncertain significance for Hereditary cancer-predisposing syndrome. Last evaluated: 2022-11-28. Review status: criteria provided, single submitter. Criteria: Ambry Variant Classification Scheme 2023. Collection method: clinical testing. Allele origin: germline.
Comment: The p.S1607R variant (also known as c.4821T>A), located in coding exon 33 of the SMARCA4 gene, results from a T to A substitution at nucleotide position 4821. The serine at codon 1607 is replaced by arginine, an amino acid with dissimilar properties. This amino acid position is highly conserved in available vertebrate species. In addition, this alteration is predicted to be tolerated by in silico analysis. Missense and in-frame variants in SMARCA4 are known to cause neurodevelopmental disorders; however, such associations with rhabdoid tumor predisposition syndrome including small cell carcinoma of the ovary-hypercalcemic type (SCCOHT) are exceedingly rare (Kosho T et al. Am J Med Genet C Semin Med Genet. 2014 Sep;166C(3):262-75; Jelinic P et al. Nat Genet. 2014 May;46(5):424-6). Based on the supporting evidence, the association of this alteration with Coffin-Siris syndrome is unknown; however, the association of this alteration with rhabdoid tumor predisposition syndrome is unlikely.

Labcorp Genetics (formerly Invitae), Labcorp
Classification: Uncertain significance for Rhabdoid tumor predisposition syndrome 2. Last evaluated: 2022-10-20. Review status: criteria provided, single submitter. Criteria: Invitae Variant Classification Sherloc (09022015). Collection method: clinical testing. Allele origin: germline.
Comment: This sequence change replaces serine, which is neutral and polar, with arginine, which is basic and polar, at codon 1607 of the SMARCA4 protein (p.Ser1607Arg). This variant is not present in population databases (gnomAD no frequency). This variant has not been reported in the literature in individuals affected with SMARCA4-related conditions. Advanced modeling of protein sequence and biophysical properties (such as structural, functional, and spatial information, amino acid conservation, physicochemical variation, residue mobility, and thermodynamic stability) performed at Invitae indicates that this missense variant is not expected to disrupt SMARCA4 protein function. In summary, the available evidence is currently insufficient to determine the role of this variant in disease. Therefore, it has been classified as a Variant of Uncertain Significance.